The following is an entry in ClinVar:

NM_001374385.1(ATP8B1):c.2097+60T>G

Genes: ATP8B1 (ATPase phospholipid transporting 8B1; minus strand), ATP8B1-AS1 (ATP8B1 antisense RNA 1; plus strand). Cytogenetic location: 18q21.31.
Variant type: single nucleotide variant.
Coding change: c.2097+60T>G on transcript NM_001374385.1 (MANE Select); 60 bases into the intron after coding-DNA position 2097, T replaced by G.
Molecular consequence: intron variant. On other transcripts: non-coding transcript variant (1).
Genome position (GRCh38, 1-based): chr18:57,669,258, A>C on the plus strand (T>G on the coding strand, the complement: ATP8B1 is on the minus strand). VCF-style: chr18-57669258-A-C. GRCh37 (hg19) VCF-style: chr18-55336490-A-C.
Other names: c.2097+60T>G (NM_005603.6); c.1947+60T>G (NM_001374386.1).
Identifiers: ClinVar variation 4846277 (VCV004846277.1).

ClinVar aggregate classification (germline): Likely benign (1 of 4 stars; one submission).

Conditions:
Familial intrahepatic cholestasis. Identifiers: Orphanet 284385, MedGen CN296401, MONDO:0017290.

gnomAD v4.1: 1,839 of 1,489,924 alleles (0.12%); highest among the groups gnomAD compares: Non-Finnish European, 0.16%; 1 homozygote.

Submission:

Genomenon, Inc
Classification: Likely benign for Familial intrahepatic cholestasis. Last evaluated: 2026-04-14. Review status: criteria provided, single submitter. Criteria: Genomenon Sequence Variant Interpretation Standards - Updated. Collection method: curation. Allele origin: germline. Affected: no.
Comment: ATP8B1 c.2097+60T>G is an intronic variant located in intron 18. This variant has been reported in the published literature (PMID:24260417). This intronic variant is not predicted to impact splicing. In conclusion, we classify ATP8B1 c.2097+60T>G as a likely benign variant.

Literature cited by the submitters: PubMed 24260417.